The following is an entry in ClinVar:

ClinVar aggregate classification (germline): Uncertain significance. Review status: criteria provided, multiple submitters, no conflicts (2 of 4 stars). 4 submissions from 4 submitters: Uncertain significance (4). Last evaluated 2025-07-10.

Conditions:
XDH-related disorder. Also called: XDH-related condition.
Inborn genetic diseases. Identifiers: MedGen C0950123, MeSH D030342.
Hereditary xanthinuria type 1 (XAN1). Identifiers: Orphanet 3467, Orphanet 93601, MedGen C0268118, MONDO:0010209, OMIM 278300.
Xanthinuria type II. Also called: Xanthine dehydrogenase and aldehyde oxidase combined deficiency of; XDH and AOX dual deficiency. Identifiers: Orphanet 3467, Orphanet 93602, MedGen C1863688, MONDO:0011346, OMIM 603592.

Allele frequency attached by ClinVar (database versions not stated): 1000 Genomes Project 30x 0.00016; 1000 Genomes Project 0.00020; gnomAD 0.00038 and 0.00041; TOPMed 0.00041.
gnomAD v4.1: 100 of 1,614,220 alleles (0.0062%); highest among the groups gnomAD compares: African/African-American, 0.11%; no homozygotes.

Submissions (4):

PreventionGenetics, part of Exact Sciences
Classification: Uncertain significance for XDH-related condition. Last evaluated: 2025-07-10. Review status: criteria provided, single submitter. Criteria: ACMG Guidelines, 2015. Collection method: clinical testing. Allele origin: germline.
Comment: The XDH c.463C>A variant is predicted to result in the amino acid substitution p.Pro155Thr. To our knowledge, this variant has not been reported in the literature. This variant is reported in 0.12% of alleles in individuals of African descent in gnomAD. This variant could be benign. At this time, the clinical significance of this variant is uncertain due to the absence of conclusive functional and genetic evidence.

Ambry Genetics
Classification: Uncertain significance for Inborn genetic diseases. Last evaluated: 2024-11-09. Review status: criteria provided, single submitter. Criteria: Ambry Variant Classification Scheme 2023. Collection method: clinical testing. Allele origin: germline.

Fulgent Genetics
Classification: Uncertain significance for Hereditary xanthinuria type 1. Last evaluated: 2024-04-22. Review status: criteria provided, single submitter. Criteria: ACMG Guidelines, 2015. Collection method: clinical testing. Allele origin: germline.

Labcorp Genetics (formerly Invitae), Labcorp
Classification: Uncertain significance for Xanthinuria type II. Last evaluated: 2022-10-20. Review status: criteria provided, single submitter. Criteria: Invitae Variant Classification Sherloc (09022015). Collection method: clinical testing. Allele origin: germline.
Comment: This sequence change replaces proline, which is neutral and non-polar, with threonine, which is neutral and polar, at codon 155 of the XDH protein (p.Pro155Thr). This variant is present in population databases (rs145413551, gnomAD 0.1%). This variant has not been reported in the literature in individuals affected with XDH-related conditions. ClinVar contains an entry for this variant (Variation ID: 649230). Algorithms developed to predict the effect of missense changes on protein structure and function (SIFT, PolyPhen-2, Align-GVGD) all suggest that this variant is likely to be disruptive. In summary, the available evidence is currently insufficient to determine the role of this variant in disease. Therefore, it has been classified as a Variant of Uncertain Significance.

NM_000379.4(XDH):c.463C>A (p.Pro155Thr)

Gene: XDH (xanthine dehydrogenase; minus strand). Cytogenetic location: 2p23.1.
Variant type: single nucleotide variant.
Coding change: c.463C>A on transcript NM_000379.4 (MANE Select); coding-DNA position 463, C replaced by A.
Protein change: p.Pro155Thr; replaces proline 155 with threonine.
Molecular consequence: missense variant.
Genome position (GRCh38, 1-based): chr2:31,397,700, G>T on the plus strand (C>A on the coding strand, the complement: XDH is on the minus strand). VCF-style: chr2-31397700-G-T. GRCh37 (hg19) VCF-style: chr2-31620566-G-T.
Other names: short protein forms P155T.
Identifiers: ClinVar variation 649230 (VCV000649230.10), dbSNP rs145413551, ClinGen allele CA1599626.